The following is an entry in ClinVar:

NM_022167.4(XYLT2):c.1569_1570inv (p.Gly524Ser)

Gene: XYLT2 (xylosyltransferase 2; plus strand). Cytogenetic location: 17q21.33.
Variant type: Inversion.
Coding change: c.1569_1570inv on transcript NM_022167.4 (MANE Select).
Protein change: p.Gly524Ser; replaces glycine 524 with serine.
Molecular consequence: missense variant.
Genome position: GRCh38 VCF-style: chr17-50356597-TG-CA. GRCh37 (hg19) VCF-style: chr17-48433958-TG-CA.
Other names: short protein forms G524S.
Identifiers: ClinVar variation 2417594 (VCV002417594.5), ClinGen allele CA2580094192.

ClinVar aggregate classification (germline): Uncertain significance (1 of 4 stars; one submission).

Submission:

Labcorp Genetics (formerly Invitae), Labcorp
Classification: Uncertain significance. Last evaluated: 2023-08-17. Review status: criteria provided, single submitter. Criteria: Invitae Variant Classification Sherloc (09022015). Collection method: clinical testing. Allele origin: germline.
Comment: In summary, the available evidence is currently insufficient to determine the role of this variant in disease. Therefore, it has been classified as a Variant of Uncertain Significance. Experimental studies and prediction algorithms are not available or were not evaluated, and the functional significance of this variant is currently unknown. ClinVar contains an entry for this variant (Variation ID: 2417594). This variant has not been reported in the literature in individuals affected with XYLT2-related conditions. Information on the frequency of this variant in the gnomAD database is not available, as this variant may be reported differently in the database. This sequence change replaces glycine, which is neutral and non-polar, with serine, which is neutral and polar, at codon 524 of the XYLT2 protein (p.Gly524Ser).